The following is an entry in ClinVar:

ClinVar aggregate classification (germline): Uncertain significance (1 of 4 stars; one submission).

gnomAD v4.1: 1 of 1,614,020 alleles (0.000062%); no homozygotes.

Submission:

GeneDx
Classification: Uncertain significance. Last evaluated: 2016-08-22. Review status: criteria provided, single submitter. Criteria: GeneDx Variant Classification (06012015). Collection method: clinical testing. Allele origin: germline. Affected: yes.
Comment: The c.6757+3 A>G variant has not been published as a pathogenic variant, nor has it been reported as a benign variant to our knowledge. The c.6757+3 A>G variant was not observed in approximately 6,500 individuals of European and African American ancestry in the NHLBI Exome Sequencing Project, indicating it is not a common benign variant in these populations. This substitution occurs at a nucleotide position that is conserved in mammals. Other splice site variants in the FBN2 gene have been reported in HGMD in association with contractural arachnodactyly (Stenson et al., 2014). However, in silico splice predictors are inconsistent as to whether the c.6757+3 A>G variant has an impact on normal gene splicing. Nevertheless, in the absence of functional mRNA studies, the physiological consequence of this variant cannot be precisely determined.Therefore, based on the currently available information, it is unclear whether this variant is pathogenic or rare benign.

NM_001999.4(FBN2):c.6757+3A>G

Gene: FBN2 (fibrillin 2; minus strand). Cytogenetic location: 5q23.3.
Variant type: single nucleotide variant.
Coding change: c.6757+3A>G on transcript NM_001999.4 (MANE Select); 3 bases into the intron after coding-DNA position 6757, A replaced by G.
Molecular consequence: intron variant.
Genome position (GRCh38, 1-based): chr5:128,288,435, T>C on the plus strand (A>G on the coding strand, the complement: FBN2 is on the minus strand). VCF-style: chr5-128288435-T-C. GRCh37 (hg19) VCF-style: chr5-127624127-T-C.
Identifiers: ClinVar variation 388850 (VCV000388850.2), dbSNP rs1057523248, ClinGen allele CA16604783.